The following is an entry in ClinVar:

ClinVar aggregate classification (germline): Likely pathogenic. Review status: criteria provided, single submitter (1 of 4 stars). 2 submissions from 2 submitters: Likely pathogenic (1). 1 of the submissions does not count toward it. Last evaluated 2021-07-30.

Conditions:
BBS9-related disorder. Also called: BBS9-related condition.

gnomAD v4.1: 4 of 1,613,660 alleles (0.00025%); highest among the groups gnomAD compares: East Asian, 0.0022%; no homozygotes.

Submissions (2):

Blueprint Genetics
Classification: Likely pathogenic for BBS9-related disorders. Last evaluated: 2021-07-30. Review status: criteria provided, single submitter. Criteria: ACMG Guidelines, 2015. Collection method: clinical testing. Allele origin: germline. Affected: yes. Observed: 1 variant allele.

PreventionGenetics, part of Exact Sciences
Classification: Uncertain significance for BBS9-related condition. Last evaluated: 2024-05-21. Review status: no assertion criteria provided. Collection method: clinical testing. Allele origin: germline. Not counted in ClinVar's aggregate classification.
Comment: The BBS9 c.1329+1G>A variant is predicted to disrupt the GT donor site and interfere with normal splicing. To our knowledge, this variant has not been reported in the literature or in a large population database, indicating this variant is rare. This canonical splice variant probably results in exon 12 skipping. However, the sequence of exon 12 is in-frame and relatively short (encoding codons 426 to 443); and to our knowledge, no missense variants in this exon or splice variants resulting in exon 12 skipping have been reported to be pathogenic in the literature. Although we suspect that this variant may be pathogenic, at this time, the clinical significance of this variant is uncertain due to the absence of conclusive functional and genetic evidence.

NM_198428.3(BBS9):c.1329+1G>A

Gene: BBS9 (Bardet-Biedl syndrome 9; plus strand). Cytogenetic location: 7p14.3.
Variant type: single nucleotide variant.
Coding change: c.1329+1G>A on transcript NM_198428.3 (MANE Select); the canonical splice donor site of the intron after coding-DNA position 1329, G replaced by A.
Molecular consequence: splice donor variant.
Genome position (GRCh38, 1-based): chr7:33,344,635, G>A. VCF-style: chr7-33344635-G-A. GRCh37 (hg19) VCF-style: chr7-33384247-G-A.
Other names: c.1329+1G>A (NM_001348036.1, NM_001362679.1, NM_001348041.4 and 5 more transcripts); c.1056+1G>A (NM_001348038.3, NM_001348039.3); c.963+1G>A (NM_001348037.3, NM_001348045.3, NM_001348046.3 and 1 more transcripts); c.1194+1G>A (NM_001348042.3).
Identifiers: ClinVar variation 3348786 (VCV003348786.2).
Genomic context (GRCh38, chr7:33,344,635, plus strand): 5'-TTACAGCAAGCGACCGATGTTGAGGTGGGAACTGACCTTGTCCCTTCTGTCACGGTGAAG[G>A]TATTGTACCAGATTTTAGACTGTAATGTGCAAACAATATGATTTATTTCATTACATCTGT-3'